The following is an entry in ClinVar:

ClinVar aggregate classification (germline): Uncertain significance (1 of 4 stars; one submission).

Conditions:
Hereditary diffuse gastric adenocarcinoma (HDGC). Also called: DIFFUSE GASTRIC AND LOBULAR BREAST CANCER SYNDROME. Identifiers: Orphanet 26106, MedGen C1708349, MONDO:0007648, OMIM 137215.

Allele frequency attached by ClinVar (database versions not stated): gnomAD exomes 0.00001.
gnomAD v4.1: 7 of 1,614,152 alleles (0.00043%); highest among the groups gnomAD compares: Non-Finnish European, 0.00051%; no homozygotes.

Submission:

Labcorp Genetics (formerly Invitae), Labcorp
Classification: Uncertain significance for Hereditary diffuse gastric adenocarcinoma. Last evaluated: 2024-04-24. Review status: criteria provided, single submitter. Criteria: Invitae Variant Classification Sherloc (09022015). Collection method: clinical testing. Allele origin: germline.
Comment: This sequence change replaces threonine, which is neutral and polar, with arginine, which is basic and polar, at codon 364 of the CDH1 protein (p.Thr364Arg). This variant is not present in population databases (gnomAD no frequency). This variant has not been reported in the literature in individuals affected with CDH1-related conditions. ClinVar contains an entry for this variant (Variation ID: 406635). An algorithm developed to predict the effect of missense changes on protein structure and function (PolyPhen-2) suggests that this variant is likely to be disruptive. In summary, the available evidence is currently insufficient to determine the role of this variant in disease. Therefore, it has been classified as a Variant of Uncertain Significance.

NM_004360.5(CDH1):c.1091C>G (p.Thr364Arg)

Gene: CDH1 (cadherin 1; plus strand). Cytogenetic location: 16q22.1.
Variant type: single nucleotide variant.
Coding change: c.1091C>G on transcript NM_004360.5 (MANE Select); coding-DNA position 1091, C replaced by G.
Protein change: p.Thr364Arg; replaces threonine 364 with arginine.
Molecular consequence: missense variant. On other transcripts: 5 prime UTR variant (2).
Genome position (GRCh38, 1-based): chr16:68,812,217, C>G. VCF-style: chr16-68812217-C-G. GRCh37 (hg19) VCF-style: chr16-68846120-C-G.
Other names: c.1091C>G (LRG_301t1); c.1091C>G, p.Thr364Arg (NM_001317184.2); c.-525C>G (NM_001317185.2); c.-729C>G (NM_001317186.2); short protein forms T364R.
Identifiers: ClinVar variation 406635 (VCV000406635.9), dbSNP rs876658376, ClinGen allele CA16615381.